The following is an entry in ClinVar:

ClinVar aggregate classification (germline): Conflicting classifications of pathogenicity. Review status: criteria provided, conflicting classifications (1 of 4 stars). 4 submissions from 4 submitters: Uncertain significance (1); Benign (1); Likely benign (1). 1 of the submissions does not count toward it. Last evaluated 2019-08-27.

Conditions:
Maturity-onset diabetes of the young (MODY). Also called: Maturity onset diabetes mellitus in young. Identifiers: Orphanet 552, MedGen C0342276, MONDO:0018911, HP:0004904.
HNF1A-related disorder. Also called: HNF1A-related condition.
Maturity-onset diabetes of the young type 3. Also called: MODY type 3; MODY, type III. Identifiers: Orphanet 552, MedGen C1838100, MeSH C563933, MONDO:0010894, OMIM 600496. Disease mechanism: loss of function.

Allele frequency attached by ClinVar (database versions not stated): TOPMed 0.00002; ExAC 0.00001; gnomAD 0.00001; gnomAD exomes 0.00001.
gnomAD v4.1: 7 of 1,612,894 alleles (0.00043%); highest among the groups gnomAD compares: Admixed American, 0.0033%; no homozygotes.

Submissions (4):

Ambry Genetics
Classification: Likely benign for Maturity-onset diabetes of the young. Last evaluated: 2019-08-27. Review status: criteria provided, single submitter. Criteria: Ambry Variant Classification Scheme 2023. Collection method: clinical testing. Allele origin: germline.

Illumina Laboratory Services, Illumina
Classification: Uncertain significance for Maturity-onset diabetes of the young type 3. Last evaluated: 2018-03-23. Review status: criteria provided, single submitter. Criteria: ICSL Variant Classification Criteria 13 December 2019. Collection method: clinical testing. Allele origin: germline.

Clinical Genomics, Uppaluri K&H Personalized Medicine Clinic
Classification: Benign for Maturity-onset diabetes of the young. Review status: criteria provided, single submitter. Criteria: K & H Uppaluri Personalized Medicine Clinic Variant Classification & Assertion Criteria_Updated V.1. Collection method: research. Allele origin: unknown. Inheritance: Autosomal dominant inheritance.
Comment: Mutations in HNF1A gene can predispose to MODY3. It is associated with both micro and macrovascular complications of diabetes, especially cardiovascular complications. Associated with glucosuria. May respond well to sulfonylureas. However, more evidence is required to confer the association of this particular variant rs762669462 with MODY3.

PreventionGenetics, part of Exact Sciences
Classification: Likely benign for HNF1A-related condition. Last evaluated: 2020-10-14. Review status: no assertion criteria provided. Collection method: clinical testing. Allele origin: germline. Not counted in ClinVar's aggregate classification.
Comment: This variant is classified as likely benign based on ACMG/AMP sequence variant interpretation guidelines (Richards et al. 2015 PMID: 25741868, with internal and published modifications).

Literature cited by the submitters: PubMed 31517624 (cited by Clinical Genomics, Uppaluri K&H Personalized Medicine Clinic); PubMed 32395877 (cited by Clinical Genomics, Uppaluri K&H Personalized Medicine Clinic); PubMed 35328643 (cited by Clinical Genomics, Uppaluri K&H Personalized Medicine Clinic); PubMed 35673428 (cited by Clinical Genomics, Uppaluri K&H Personalized Medicine Clinic).

NM_000545.8(HNF1A):c.1695C>T (p.Leu565=)

Gene: HNF1A (HNF1 homeobox A; plus strand). Cytogenetic location: 12q24.31.
Variant type: single nucleotide variant.
Coding change: c.1695C>T on transcript NM_000545.8 (MANE Select); coding-DNA position 1695, C replaced by T.
Protein change: p.Leu565=; no amino-acid change (leucine 565 retained).
Molecular consequence: synonymous variant.
Genome position (GRCh38, 1-based): chr12:120,999,554, C>T. VCF-style: chr12-120999554-C-T. GRCh37 (hg19) VCF-style: chr12-121437357-C-T.
Other names: c.1716C>T, p.Leu572= (NM_001306179.2); c.1695C>T (NM_000545.6).
Identifiers: ClinVar variation 882513 (VCV000882513.9), dbSNP rs762669462, ClinGen allele CA6832148.